The following is an entry in ClinVar:

ClinVar aggregate classification (germline): Uncertain significance. Review status: criteria provided, multiple submitters, no conflicts (2 of 4 stars). 3 submissions from 3 submitters: Uncertain significance (3). Last evaluated 2025-09-14.

Allele frequency attached by ClinVar (database versions not stated): gnomAD 0.00002; TOPMed 0.00002.
gnomAD v4.1: 29 of 1,613,730 alleles (0.0018%); highest among the groups gnomAD compares: Non-Finnish European, 0.0024%; no homozygotes.

Submissions (3):

Labcorp Genetics (formerly Invitae), Labcorp
Classification: Uncertain significance. Last evaluated: 2025-09-14. Review status: criteria provided, single submitter. Criteria: Invitae Variant Classification Sherloc (09022015). Collection method: clinical testing. Allele origin: germline.
Comment: This sequence change replaces methionine, which is neutral and non-polar, with threonine, which is neutral and polar, at codon 302 of the IMPG1 protein (p.Met302Thr). This variant is present in population databases (rs755997435, gnomAD 0.003%). This variant has not been reported in the literature in individuals affected with IMPG1-related conditions. ClinVar contains an entry for this variant (Variation ID: 1053794). An algorithm developed to predict the effect of missense changes on protein structure and function outputs the following: PolyPhen-2: "Benign". The threonine amino acid residue is found in multiple mammalian species, which suggests that this missense change does not adversely affect protein function. In summary, the available evidence is currently insufficient to determine the role of this variant in disease. Therefore, it has been classified as a Variant of Uncertain Significance.

Ambry Genetics
Classification: Uncertain significance. Last evaluated: 2023-05-17. Review status: criteria provided, single submitter. Criteria: Ambry Variant Classification Scheme 2023. Collection method: clinical testing. Allele origin: germline.

Blueprint Genetics
Classification: Uncertain significance. Last evaluated: 2022-04-01. Review status: criteria provided, single submitter. Criteria: ACMG Guidelines, 2015. Collection method: clinical testing. Allele origin: germline.

NM_001563.4(IMPG1):c.905T>C (p.Met302Thr)

Gene: IMPG1 (interphotoreceptor matrix proteoglycan 1; minus strand). Cytogenetic location: 6q14.1.
Variant type: single nucleotide variant.
Coding change: c.905T>C on transcript NM_001563.4 (MANE Select); coding-DNA position 905, T replaced by C.
Protein change: p.Met302Thr; replaces methionine 302 with threonine.
Molecular consequence: missense variant.
Genome position (GRCh38, 1-based): chr6:76,005,517, A>G on the plus strand (T>C on the coding strand, the complement: IMPG1 is on the minus strand). VCF-style: chr6-76005517-A-G. GRCh37 (hg19) VCF-style: chr6-76715234-A-G.
Other names: c.905T>C (NM_001563.2); c.671T>C, p.Met224Thr (NM_001282368.2); short protein forms M224T, M302T.
Identifiers: ClinVar variation 1053794 (VCV001053794.12), dbSNP rs755997435, ClinGen allele CA3898266.
Genomic context (GRCh38, chr6:76,005,517, plus strand): 5'-AGGTCACTTGCAGGGCTTTTTGCTTCTGCACTGTGTCTCTTAAAGATGGCCGTAAGTTGC[A>G]TCTCTGTGGAGCTTGAGCTGTAGATAGCAGAGGACACATTCCCCACCCAAAGCCATTGTT-3'
Protein context (NP_001554.2, residues 292-312): KEKDGSSSTE[Met302Thr]QLTAIFKRHS